The following is an entry in ClinVar:

NM_001206927.2(DNAH8):c.13303G>T (p.Glu4435Ter)

Gene: DNAH8 (dynein axonemal heavy chain 8; plus strand). Cytogenetic location: 6p21.2.
Variant type: single nucleotide variant.
Coding change: c.13303G>T on transcript NM_001206927.2 (MANE Select); coding-DNA position 13303, G replaced by T.
Protein change: p.Glu4435Ter; replaces glutamic acid 4435 with a stop codon.
Molecular consequence: nonsense.
Genome position (GRCh38, 1-based): chr6:39,008,902, G>T. VCF-style: chr6-39008902-G-T. GRCh37 (hg19) VCF-style: chr6-38976678-G-T.
Other names: c.12652G>T, p.Glu4218Ter (NM_001371.4); short protein forms E4218*, E4435*.
Identifiers: ClinVar variation 3675120 (VCV003675120.2).

ClinVar aggregate classification (germline): Pathogenic (1 of 4 stars; one submission).

Conditions:
Primary ciliary dyskinesia. Also called: Ciliary dyskinesia. Identifiers: Orphanet 244, MedGen C0008780, MONDO:0016575, HP:0012265.

gnomAD v4.1: 1 of 1,608,688 alleles (0.000062%); highest among the groups gnomAD compares: Non-Finnish European, 0.000085%; no homozygotes.

Submission:

Labcorp Genetics (formerly Invitae), Labcorp
Classification: Pathogenic for Primary ciliary dyskinesia. Last evaluated: 2024-10-17. Review status: criteria provided, single submitter. Criteria: Invitae Variant Classification Sherloc (09022015). Collection method: clinical testing. Allele origin: germline.
Comment: This sequence change creates a premature translational stop signal (p.Glu4435*) in the DNAH8 gene. It is expected to result in an absent or disrupted protein product. Loss-of-function variants in DNAH8 are known to be pathogenic (PMID: 24307375, 32619401, 32681648). This variant is not present in population databases (gnomAD no frequency). This variant has not been reported in the literature in individuals affected with DNAH8-related conditions. For these reasons, this variant has been classified as Pathogenic.

Literature cited by the submitters: PubMed 24307375; PubMed 32619401; PubMed 32681648.